The following is an entry in ClinVar:

ClinVar aggregate classification (germline): Uncertain significance. Review status: criteria provided, multiple submitters, no conflicts (2 of 4 stars). 2 submissions from 2 submitters: Uncertain significance (2). Last evaluated 2025-03-26.

Conditions:
Hereditary pheochromocytoma and paraganglioma. Also called: Hereditary paragangliomas and pheochromocytomas; Hereditary Paraganglioma-Pheochromocytoma Syndromes; Hereditary pheochromocytoma-paraganglioma. Identifiers: Orphanet 29072, MedGen C4274332, MONDO:0017366.
Hereditary cancer-predisposing syndrome. Also called: Tumor predisposition; Hereditary Cancer Syndrome; Hereditary neoplastic syndrome; Neoplastic Syndromes, Hereditary. Identifiers: Orphanet 140162, MedGen C0027672, MeSH D009386, MONDO:0015356.

gnomAD v4.1: 5 of 1,607,980 alleles (0.00031%); highest among the groups gnomAD compares: East Asian, 0.0022%; no homozygotes.

Submissions (2):

Labcorp Genetics (formerly Invitae), Labcorp
Classification: Uncertain significance for Hereditary pheochromocytoma and paraganglioma. Last evaluated: 2025-03-26. Review status: criteria provided, single submitter. Criteria: Invitae Variant Classification Sherloc (09022015). Collection method: clinical testing. Allele origin: germline.
Comment: This sequence change replaces threonine, which is neutral and polar, with asparagine, which is neutral and polar, at codon 60 of the TMEM127 protein (p.Thr60Asn). The frequency data for this variant in the population databases is considered unreliable, as metrics indicate poor data quality at this position in the gnomAD database. This variant has not been reported in the literature in individuals affected with TMEM127-related conditions. ClinVar contains an entry for this variant (Variation ID: 1404949). An algorithm developed to predict the effect of missense changes on protein structure and function (PolyPhen-2) suggests that this variant is likely to be tolerated. In summary, the available evidence is currently insufficient to determine the role of this variant in disease. Therefore, it has been classified as a Variant of Uncertain Significance.

Ambry Genetics
Classification: Uncertain significance for Hereditary cancer-predisposing syndrome. Last evaluated: 2020-09-30. Review status: criteria provided, single submitter. Criteria: Ambry Variant Classification Scheme 2023. Collection method: clinical testing. Allele origin: germline.
Comment: The p.T60N variant (also known as c.179C>A), located in coding exon 1 of the TMEM127 gene, results from a C to A substitution at nucleotide position 179. The threonine at codon 60 is replaced by asparagine, an amino acid with similar properties. This amino acid position is highly conserved in available vertebrate species. In addition, the in silico prediction for this alteration is inconclusive. Since supporting evidence is limited at this time, the clinical significance of this alteration remains unclear.

NM_017849.4(TMEM127):c.179C>A (p.Thr60Asn)

Gene: TMEM127 (transmembrane protein 127; minus strand). Cytogenetic location: 2q11.2.
Variant type: single nucleotide variant.
Coding change: c.179C>A on transcript NM_017849.4 (MANE Select); coding-DNA position 179, C replaced by A.
Protein change: p.Thr60Asn; replaces threonine 60 with asparagine.
Molecular consequence: missense variant.
Genome position (GRCh38, 1-based): chr2:96,265,203, G>T on the plus strand (C>A on the coding strand, the complement: TMEM127 is on the minus strand). VCF-style: chr2-96265203-G-T. GRCh37 (hg19) VCF-style: chr2-96930941-G-T.
Other names: c.179C>A, p.Thr60Asn (NM_001193304.3); short protein forms T60N.
Identifiers: ClinVar variation 1404949 (VCV001404949.10), dbSNP rs1171618626, ClinGen allele CA347655956.
Genomic context (GRCh38, chr2:96,265,203, plus strand): 5'-AGCAGGTCCGGGTGCACATAGCCCAACACGTCGGAGACCCCCAGCTCCTGGCGCGAACAG[G>T]TGCCTCCGTGGATGTGCAACCAGGCGGGCTCGGCGAGGGCAGTGCACAGCGCCGTGATAG-3'
Protein context (NP_060319.1, residues 50-70): EPAWLHIHGG[Thr60Asn]CSRQELGVSD